The following is an entry in ClinVar:

ClinVar aggregate classification (germline): Pathogenic/Likely pathogenic. Review status: criteria provided, multiple submitters, no conflicts (2 of 4 stars). 3 submissions from 3 submitters: Pathogenic (1); Likely pathogenic (2). Last evaluated 2024-09-23.

Conditions:
Progressive myoclonic epilepsy type 7. Identifiers: Orphanet 435438, MedGen C4015420, MONDO:0014521, OMIM 616187.

Submissions (3):

GeneDx
Classification: Pathogenic. Last evaluated: 2024-09-23. Review status: criteria provided, single submitter. Criteria: GeneDx Variant Classification Process June 2021. Collection method: clinical testing. Allele origin: germline. Affected: yes.
Comment: Published functional studies demonstrate gain of function effects such as larger K+ currents, a hyperpolarizing shift in activation gating, failure to inactivate, and slowed activation and deactivation kinetics (PMID: 37203213); In silico analysis supports that this missense variant has a deleterious effect on protein structure/function; Not observed at significant frequency in large population cohorts (gnomAD); This variant is associated with the following publications: (PMID: 35982159, 33057194, 35840580, 37203213)

Labcorp Genetics (formerly Invitae), Labcorp
Classification: Likely pathogenic for Progressive myoclonic epilepsy type 7. Last evaluated: 2024-04-25. Review status: criteria provided, single submitter. Criteria: Invitae Variant Classification Sherloc (09022015). Collection method: clinical testing. Allele origin: germline.
Comment: This sequence change replaces valine, which is neutral and non-polar, with methionine, which is neutral and non-polar, at codon 425 of the KCNC1 protein (p.Val425Met). This variant is not present in population databases (gnomAD no frequency). This missense change has been observed in individual(s) with clinical features of developmental and epileptic encephalopathy (PMID: 37203213; Invitae). In at least one individual the variant was observed to be de novo. ClinVar contains an entry for this variant (Variation ID: 426760). Advanced modeling of protein sequence and biophysical properties (such as structural, functional, and spatial information, amino acid conservation, physicochemical variation, residue mobility, and thermodynamic stability) has been performed at Invitae for this missense variant, however the output from this modeling did not meet the statistical confidence thresholds required to predict the impact of this variant on KCNC1 protein function. Experimental studies have shown that this missense change affects KCNC1 function (PMID: 37203213). In summary, the currently available evidence indicates that the variant is pathogenic, but additional data are needed to prove that conclusively. Therefore, this variant has been classified as Likely Pathogenic.

Laboratoire de Génétique Moléculaire, CHU Bordeaux
Classification: Likely pathogenic for Progressive myoclonic epilepsy type 7. Last evaluated: 2023-02-22. Review status: criteria provided, single submitter. Criteria: ACMG Guidelines, 2015. Collection method: clinical testing. Allele origin: germline. Affected: yes.

Literature cited by the submitters: PubMed 37203213 (cited by Labcorp Genetics (formerly Invitae), Labcorp).

NM_001112741.2(KCNC1):c.1273G>A (p.Val425Met)

Gene: KCNC1 (potassium voltage-gated channel subfamily C member 1; plus strand). Cytogenetic location: 11p15.1.
Variant type: single nucleotide variant.
Coding change: c.1273G>A on transcript NM_001112741.2 (MANE Select); coding-DNA position 1273, G replaced by A.
Protein change: p.Val425Met; replaces valine 425 with methionine.
Molecular consequence: missense variant.
Genome position (GRCh38, 1-based): chr11:17,772,367, G>A. VCF-style: chr11-17772367-G-A. GRCh37 (hg19) VCF-style: chr11-17793914-G-A.
Other names: c.1273G>A, p.Val425Met (NM_004976.4); short protein forms V425M.
Identifiers: ClinVar variation 426760 (VCV000426760.13), dbSNP rs1085307785, ClinGen allele CA379808912.